The following is an entry in ClinVar:

ClinVar aggregate classification (germline): Uncertain significance (1 of 4 stars; one submission).

Allele frequency attached by ClinVar (database versions not stated): gnomAD exomes below 0.00001; ExAC 0.00007.
gnomAD v4.1: 1 of 1,549,250 alleles (0.000065%); highest among the groups gnomAD compares: South Asian, 0.0012%; no homozygotes.

Submission:

Labcorp Genetics (formerly Invitae), Labcorp
Classification: Uncertain significance. Last evaluated: 2024-11-18. Review status: criteria provided, single submitter. Criteria: Invitae Variant Classification Sherloc (09022015). Collection method: clinical testing. Allele origin: germline.
Comment: This sequence change replaces proline, which is neutral and non-polar, with leucine, which is neutral and non-polar, at codon 2103 of the ZNF469 protein (p.Pro2103Leu). This variant is present in population databases (rs747310515, gnomAD 0.004%). This variant has not been reported in the literature in individuals affected with ZNF469-related conditions. ClinVar contains an entry for this variant (Variation ID: 2112928). An algorithm developed to predict the effect of missense changes on protein structure and function outputs the following: PolyPhen-2: "Benign". The leucine amino acid residue is found in multiple mammalian species, which suggests that this missense change does not adversely affect protein function. In summary, the available evidence is currently insufficient to determine the role of this variant in disease. Therefore, it has been classified as a Variant of Uncertain Significance.

NM_001367624.2(ZNF469):c.6392C>T (p.Pro2131Leu)

Gene: ZNF469 (zinc finger protein 469; plus strand). Cytogenetic location: 16q24.2.
Variant type: single nucleotide variant.
Coding change: c.6392C>T on transcript NM_001367624.2 (MANE Select); coding-DNA position 6392, C replaced by T.
Protein change: p.Pro2131Leu; replaces proline 2131 with leucine.
Molecular consequence: missense variant.
Genome position (GRCh38, 1-based): chr16:88,433,862, C>T. VCF-style: chr16-88433862-C-T. GRCh37 (hg19) VCF-style: chr16-88500270-C-T.
Other names: short protein forms P2131L.
Identifiers: ClinVar variation 2112928 (VCV002112928.4), dbSNP rs747310515, ClinGen allele CA8225147.